The following is an entry in ClinVar:

ClinVar aggregate classification (germline): Pathogenic. Review status: criteria provided, single submitter (1 of 4 stars). 2 submissions from 2 submitters: Pathogenic (1). 1 of the submissions does not count toward it. Last evaluated 2024-11-05.

Conditions:
Ehlers-Danlos syndrome, type 4 (EDSVASC). Also called: Ehlers-Danlos syndrome vascular type; Ehlers Danlos syndrome, ecchymotic type; Ehlers Danlos syndrome, arterial type; Ehlers Danlos syndrome, Sack-Barabas type; Ehlers-Danlos Syndrome Type IV. Identifiers: Orphanet 286, MedGen C0268338, MONDO:0017314, OMIM 130050.

Submissions (2):

ARUP Laboratories, Molecular Genetics and Genomics, ARUP Laboratories
Classification: Pathogenic. Last evaluated: 2024-11-05. Review status: criteria provided, single submitter. Criteria: ARUP Molecular Germline Variant Investigation Process 2024. Collection method: clinical testing. Allele origin: germline.
Comment: The COL3A1 c.951+2T>C variant (rs587779426, ClinVar Variation ID: 101140) is reported in the literature in two individuals affected with vascular Ehlers-Danlos syndrome (vEDS; Pepin 2014 and Angwin 2012). This variant is absent from the Genome Aggregation Database (v2.1.1), indicating it is not a common polymorphism. This variant disrupts the canonical splice donor site of intron 13, which is likely to negatively impact gene function. Additional variants effecting this splice donor (c.951+2T>A and c.951+1G>A) have also been reported in patients with vEDS (Legrand 2019). Based on available information, this variant is considered to be pathogenic. References: Pepin MG et al. Survival is affected by mutation type and molecular mechanism in vascular Ehlers-Danlos syndrome (EDS type IV). Genet Med. 2014 Dec;16(12):881-8. PMID: 24922459. Angwin C et al. Electron microscopy in the diagnosis of Ehlers-Danlos syndromes: correlation with clinical and genetic investigations. Br J Dermatol. 2020 Mar;182(3):698-707. PMID: 31141158. Legrand A et al. Frequency of de novo variants and parental mosaicism in vascular Ehlers-Danlos syndrome. Genet Med. 2019 Jul;21(7):1568-1575. PMID: 30474650.

Collagen Diagnostic Laboratory, University of Washington
Classification: Pathogenic for Ehlers-Danlos syndrome, type 4. Review status: no assertion criteria provided. Collection method: clinical testing. Allele origin: germline. Affected: yes. Not counted in ClinVar's aggregate classification.

NM_000090.4(COL3A1):c.951+2T>C

Gene: COL3A1 (collagen type III alpha 1 chain; plus strand). Cytogenetic location: 2q32.2.
Variant type: single nucleotide variant.
Coding change: c.951+2T>C on transcript NM_000090.4 (MANE Select); the canonical splice donor site of the intron after coding-DNA position 951, T replaced by C.
Molecular consequence: splice donor variant.
Genome position (GRCh38, 1-based): chr2:188,991,724, T>C. VCF-style: chr2-188991724-T-C. GRCh37 (hg19) VCF-style: chr2-189856450-T-C.
Identifiers: ClinVar variation 101140 (VCV000101140.3), dbSNP rs587779426, ClinGen allele CA007623.